The following is an entry in ClinVar:

ClinVar aggregate classification (germline): Likely pathogenic (1 of 4 stars; one submission).

Conditions:
Deficiency of galactokinase. Also called: GALACTOSEMIA II; Galactokinase deficiency with cataracts. Identifiers: Orphanet 352, Orphanet 79237, MedGen C0268155, MONDO:0009255, OMIM 230200.

Submission:

Myriad Genetics, Inc.
Classification: Likely pathogenic for Deficiency of galactokinase. Last evaluated: 2022-03-27. Review status: criteria provided, single submitter. Criteria: Myriad Women's Health Autosomal Recessive and X-Linked Classification Criteria (2021). Collection method: clinical testing. Allele origin: unknown.
Comment: NM_000154.1(GALK1):c.738_739ins8(A247Lfs*20) is expected to be pathogenic in the context of galactokinase deficiency. This variant is predicted to lead to an abnormal or absent protein product due to the creation of a premature termination codon in GALK1, a gene where loss-of-function variants are known to be pathogenic. Please note: this variant was assessed in the context of healthy population screening.

NM_000154.2(GALK1):c.738_739insCTTTCCTT (p.Ala247fs)

Gene: GALK1 (galactokinase 1; minus strand). Cytogenetic location: 17q25.1.
Variant type: Insertion.
Coding change: c.738_739insCTTTCCTT on transcript NM_000154.2 (MANE Select); coding-DNA positions 738 to 739, CTTTCCTT inserted.
Protein change: p.Ala247fs; shifts the reading frame from alanine 247.
Molecular consequence: frameshift variant.
Genome position: GRCh38 VCF-style: chr17-75762758-C-CAAGGAAAG. GRCh37 (hg19) VCF-style: chr17-73758839-C-CAAGGAAAG.
Other names: c.738_739insCTTTCCTT, p.Ala247fs (NM_001381985.1); short protein forms A247fs.
Identifiers: ClinVar variation 1725470 (VCV001725470.2), dbSNP rs2545903117, ClinGen allele CA2580095173.